The following is an entry in ClinVar:

NM_001148.6(ANK2):c.2843G>T (p.Ser948Ile)

Gene: ANK2 (ankyrin 2; plus strand). Cytogenetic location: 4q26.
Variant type: single nucleotide variant.
Coding change: c.2843G>T on transcript NM_001148.6 (MANE Select); coding-DNA position 2843, G replaced by T.
Protein change: p.Ser948Ile; replaces serine 948 with isoleucine.
Molecular consequence: missense variant.
Genome position (GRCh38, 1-based): chr4:113,318,563, G>T. VCF-style: chr4-113318563-G-T. GRCh37 (hg19) VCF-style: chr4-114239719-G-T.
Other names: c.2792G>T, p.Ser931Ile (NM_001354254.2); c.2780G>T, p.Ser927Ile (NM_001354255.2, NM_001354262.2, NM_001354275.2 and 3 more transcripts); c.2777G>T, p.Ser926Ile (NM_001354256.2, NM_001354272.2, NM_001386161.1 and 3 more transcripts); c.2681G>T, p.Ser894Ile (NM_001354257.2, NM_001354270.2, NM_001386156.1 and 1 more transcripts); c.2843G>T, p.Ser948Ile (NM_001354258.2, NM_020977.5, NM_001354228.2 and 1 more transcripts); c.2657G>T, p.Ser886Ile (NM_001354260.2, NM_001354271.2, NM_001386151.1); c.2801G>T, p.Ser934Ile (NM_001354261.2, NM_001386147.1); c.2756G>T, p.Ser919Ile (NM_001354264.2, NM_001354266.2, NM_001354267.2 and 7 more transcripts); and 17 more; short protein forms S820I, S877I, S915I, S919I, S926I, S943I, S947I, S963I.
Identifiers: ClinVar variation 1796745 (VCV001796745.2), dbSNP rs971456056, ClinGen allele CA357931628.

ClinVar aggregate classification (germline): Uncertain significance (1 of 4 stars; one submission).

Conditions:
Cardiovascular phenotype. Identifiers: MedGen CN230736.

gnomAD v4.1: 1 of 1,613,708 alleles (0.000062%); highest among the groups gnomAD compares: Non-Finnish European, 0.000085%; no homozygotes.

Submission:

Ambry Genetics
Classification: Uncertain significance for Cardiovascular phenotype. Last evaluated: 2022-09-05. Review status: criteria provided, single submitter. Criteria: Ambry Variant Classification Scheme 2023. Collection method: clinical testing. Allele origin: germline.
Comment: The p.S948I variant (also known as c.2843G>T), located in coding exon 26 of the ANK2 gene, results from a G to T substitution at nucleotide position 2843. The serine at codon 948 is replaced by isoleucine, an amino acid with dissimilar properties. This amino acid position is conserved. In addition, this alteration is predicted to be deleterious by in silico analysis. Since supporting evidence is limited at this time, the clinical significance of this alteration remains unclear.